The following is an entry in ClinVar:

NM_001621.5(AHR):c.307G>A (p.Ala103Thr)

Gene: AHR (aryl hydrocarbon receptor; plus strand). Cytogenetic location: 7p21.1.
Variant type: single nucleotide variant.
Coding change: c.307G>A on transcript NM_001621.5 (MANE Select); coding-DNA position 307, G replaced by A.
Protein change: p.Ala103Thr; replaces alanine 103 with threonine.
Molecular consequence: missense variant.
Genome position (GRCh38, 1-based): chr7:17,322,554, G>A. VCF-style: chr7-17322554-G-A. GRCh37 (hg19) VCF-style: chr7-17362178-G-A.
Other names: short protein forms A103T.
Identifiers: ClinVar variation 1917108 (VCV001917108.5), dbSNP rs570282832, ClinGen allele CA4171785.

ClinVar aggregate classification (germline): Uncertain significance (1 of 4 stars; one submission).

Allele frequency attached by ClinVar (database versions not stated): gnomAD exomes 0.00002; gnomAD 0.00004; TOPMed 0.00005; ExAC 0.00008; 1000 Genomes Project 30x 0.00016; 1000 Genomes Project 0.00020.
gnomAD v4.1: 31 of 1,613,040 alleles (0.0019%); highest among the groups gnomAD compares: East Asian, 0.054%; no homozygotes.

Submission:

Labcorp Genetics (formerly Invitae), Labcorp
Classification: Uncertain significance. Last evaluated: 2025-05-27. Review status: criteria provided, single submitter. Criteria: Invitae Variant Classification Sherloc (09022015). Collection method: clinical testing. Allele origin: germline.
Comment: This sequence change replaces alanine, which is neutral and non-polar, with threonine, which is neutral and polar, at codon 103 of the AHR protein (p.Ala103Thr). This variant is present in population databases (rs570282832, gnomAD 0.1%). This variant has not been reported in the literature in individuals affected with AHR-related conditions. ClinVar contains an entry for this variant (Variation ID: 1917108). An algorithm developed to predict the effect of missense changes on protein structure and function (PolyPhen-2) suggests that this variant is likely to be tolerated. In summary, the available evidence is currently insufficient to determine the role of this variant in disease. Therefore, it has been classified as a Variant of Uncertain Significance.